The following is an entry in ClinVar:

NM_000239.3(LYZ):c.412G>C (p.Asp138His)

Gene: LYZ (lysozyme; plus strand). Cytogenetic location: 12q15.
Variant type: single nucleotide variant.
Coding change: c.412G>C on transcript NM_000239.3 (MANE Select); coding-DNA position 412, G replaced by C.
Protein change: p.Asp138His; replaces aspartic acid 138 with histidine.
Molecular consequence: missense variant.
Genome position (GRCh38, 1-based): chr12:69,353,184, G>C. VCF-style: chr12-69353184-G-C. GRCh37 (hg19) VCF-style: chr12-69746964-G-C.
Other names: short protein forms D138H.
Identifiers: ClinVar variation 2095574 (VCV002095574.4), dbSNP rs2499101694, ClinGen allele CA385727783.

ClinVar aggregate classification (germline): Uncertain significance (1 of 4 stars; one submission).

gnomAD v4.1: 1 of 1,614,122 alleles (0.000062%); highest among the groups gnomAD compares: Non-Finnish European, 0.000085%; no homozygotes.

Submission:

Labcorp Genetics (formerly Invitae), Labcorp
Classification: Uncertain significance. Last evaluated: 2022-02-09. Review status: criteria provided, single submitter. Criteria: Invitae Variant Classification Sherloc (09022015). Collection method: clinical testing. Allele origin: germline.
Comment: This variant is not present in population databases (gnomAD no frequency). This sequence change replaces aspartic acid, which is acidic and polar, with histidine, which is basic and polar, at codon 138 of the LYZ protein (p.Asp138His). This variant has not been reported in the literature in individuals affected with LYZ-related conditions. In summary, the available evidence is currently insufficient to determine the role of this variant in disease. Therefore, it has been classified as a Variant of Uncertain Significance. Algorithms developed to predict the effect of missense changes on protein structure and function are either unavailable or do not agree on the potential impact of this missense change (SIFT: "Deleterious"; PolyPhen-2: "Benign"; Align-GVGD: "Class C0").